The following is an entry in ClinVar:

NM_198253.3(TERT):c.1421C>T (p.Pro474Leu)

Gene: TERT (telomerase reverse transcriptase; minus strand). Cytogenetic location: 5p15.33.
Variant type: single nucleotide variant.
Coding change: c.1421C>T on transcript NM_198253.3 (MANE Select); coding-DNA position 1421, C replaced by T.
Protein change: p.Pro474Leu; replaces proline 474 with leucine.
Molecular consequence: missense variant. On other transcripts: non-coding transcript variant (2).
Genome position (GRCh38, 1-based): chr5:1,293,465, G>A on the plus strand (C>T on the coding strand, the complement: TERT is on the minus strand). VCF-style: chr5-1293465-G-A. GRCh37 (hg19) VCF-style: chr5-1293580-G-A.
Other names: c.1421C>T, p.Pro474Leu (NM_001193376.3); short protein forms P474L.
Identifiers: ClinVar variation 951796 (VCV000951796.10), dbSNP rs1751124049, ClinGen allele CA359085692.

ClinVar aggregate classification (germline): Uncertain significance (1 of 4 stars; one submission).

Conditions:
Idiopathic Pulmonary Fibrosis. Also called: Idiopathic fibrosing alveolitis, chronic form; idiopathic fibrosing alveolitis. Identifiers: Orphanet 2032, MedGen C1800706, MeSH D054990, MONDO:0800504.
Dyskeratosis congenita, autosomal dominant 2. Identifiers: MedGen C3151443, MONDO:0013521, OMIM 613989.

Submission:

Labcorp Genetics (formerly Invitae), Labcorp
Classification: Uncertain significance for Dyskeratosis congenita, autosomal dominant 2; Idiopathic Pulmonary Fibrosis. Last evaluated: 2019-06-18. Review status: criteria provided, single submitter. Criteria: Invitae Variant Classification Sherloc (09022015). Collection method: clinical testing. Allele origin: germline.
Comment: This sequence change replaces proline with leucine at codon 474 of the TERT protein (p.Pro474Leu). The proline residue is highly conserved and there is a moderate physicochemical difference between proline and leucine. In summary, the available evidence is currently insufficient to determine the role of this variant in disease. Therefore, it has been classified as a Variant of Uncertain Significance. Algorithms developed to predict the effect of missense changes on protein structure and function are either unavailable or do not agree on the potential impact of this missense change (SIFT: "Deleterious"; PolyPhen-2: "Probably Damaging"; Align-GVGD: "Class C15"). This variant has not been reported in the literature in individuals with TERT-related conditions. This variant is not present in population databases (ExAC no frequency).